The following is an entry in ClinVar:

NM_000059.4(BRCA2):c.9972A>T (p.Pro3324=)

Gene: BRCA2 (BRCA2 DNA repair associated; plus strand). Cytogenetic location: 13q13.1.
Variant type: single nucleotide variant.
Coding change: c.9972A>T on transcript NM_000059.4 (MANE Select); coding-DNA position 9972, A replaced by T.
Protein change: p.Pro3324=; no amino-acid change (proline 3324 retained).
Molecular consequence: synonymous variant.
Genome position (GRCh38, 1-based): chr13:32,398,485, A>T. VCF-style: chr13-32398485-A-T. GRCh37 (hg19) VCF-style: chr13-32972622-A-T.
Identifiers: ClinVar variation 427396 (VCV000427396.16), dbSNP rs786201647, ClinGen allele CA483440055.

ClinVar aggregate classification (germline): Likely benign. Review status: reviewed by expert panel (3 of 4 stars). 4 submissions from 4 submitters: Likely benign (1). 3 of the submissions do not count toward it. Last evaluated 2017-06-29.

Conditions:
Hereditary cancer-predisposing syndrome. Also called: Hereditary neoplastic syndrome; Hereditary Cancer Syndrome; Neoplastic Syndromes, Hereditary; Tumor predisposition. Identifiers: Orphanet 140162, MedGen C0027672, MeSH D009386, MONDO:0015356.
Breast-ovarian cancer, familial, susceptibility to, 2 (BROVCA2). Also called: BRCA2 Hereditary Breast and Ovarian Cancer. Identifiers: Orphanet 145, MedGen C2675520, MONDO:0012933, OMIM 612555. Disease mechanism: loss of function.
Hereditary breast ovarian cancer syndrome. Also called: Hereditary breast and ovarian cancer syndrome; BRCA1- and BRCA2-Associated Hereditary Breast and Ovarian Cancer; Hereditary breast and/or ovarian cancer syndrome; Hereditary breast and ovarian cancer; Breast and ovarian cancer; Hereditary breast and ovarian cancer syndrome (HBOC). Identifiers: Orphanet 145, MedGen C0677776, MeSH D061325, MONDO:0003582. Disease mechanism: loss of function.

gnomAD v4.1: 1 of 1,614,048 alleles (0.000062%); highest among the groups gnomAD compares: Non-Finnish European, 0.000085%; no homozygotes.

Submissions (4):

Evidence-based Network for the Interpretation of Germline Mutant Alleles (ENIGMA)
Classification: Likely benign for Breast-ovarian cancer, familial, susceptibility to, 2. Last evaluated: 2017-06-29. Review status: reviewed by expert panel. Criteria: ENIGMA BRCA1/2 Classification Criteria (2017-06-29). Collection method: curation. Allele origin: germline.
Comment: Synonymous substitution variant, with low bioinformatic likelihood to result in a splicing aberration (Splicing prior probability 0.02).

Labcorp Genetics (formerly Invitae), Labcorp
Classification: Likely benign for Hereditary breast ovarian cancer syndrome. Last evaluated: 2025-06-18. Review status: criteria provided, single submitter. Criteria: Invitae Variant Classification Sherloc (09022015). Collection method: clinical testing. Allele origin: germline. Not counted in ClinVar's aggregate classification.

ARUP Laboratories, Molecular Genetics and Genomics, ARUP Laboratories
Classification: Likely benign. Last evaluated: 2024-05-29. Review status: criteria provided, single submitter. Criteria: ARUP Molecular Germline Variant Investigation Process 2024. Collection method: clinical testing. Allele origin: germline. Not counted in ClinVar's aggregate classification.

Ambry Genetics
Classification: Likely benign for Hereditary cancer-predisposing syndrome. Last evaluated: 2017-02-06. Review status: criteria provided, single submitter. Criteria: Ambry Variant Classification Scheme 2023. Collection method: clinical testing. Allele origin: germline. Not counted in ClinVar's aggregate classification.